The following is an entry in ClinVar:

NM_004304.5(ALK):c.3427A>G (p.Ser1143Gly)

Gene: ALK (ALK receptor tyrosine kinase; minus strand). Cytogenetic location: 2p23.2.
Variant type: single nucleotide variant.
Coding change: c.3427A>G on transcript NM_004304.5 (MANE Select); coding-DNA position 3427, A replaced by G.
Protein change: p.Ser1143Gly; replaces serine 1143 with glycine.
Molecular consequence: missense variant.
Genome position (GRCh38, 1-based): chr2:29,222,540, T>C on the plus strand (A>G on the coding strand, the complement: ALK is on the minus strand). VCF-style: chr2-29222540-T-C. GRCh37 (hg19) VCF-style: chr2-29445406-T-C.
Other names: c.223A>G, p.Ser75Gly (NM_001353765.2); short protein forms S75G, S1143G.
Identifiers: ClinVar variation 4272287 (VCV004272287.1).

ClinVar aggregate classification (germline): Uncertain significance (1 of 4 stars; one submission).

Conditions:
Hereditary cancer-predisposing syndrome. Also called: Hereditary Cancer Syndrome; Hereditary neoplastic syndrome; Neoplastic Syndromes, Hereditary; Tumor predisposition. Identifiers: Orphanet 140162, MedGen C0027672, MeSH D009386, MONDO:0015356.

Submission:

Ambry Genetics
Classification: Uncertain significance for Hereditary cancer-predisposing syndrome. Last evaluated: 2025-06-26. Review status: criteria provided, single submitter. Criteria: Ambry Variant Classification Scheme 2023. Collection method: clinical testing. Allele origin: germline.
Comment: The p.S1143G variant (also known as c.3427A>G), located in coding exon 21 of the ALK gene, results from an A to G substitution at nucleotide position 3427. The serine at codon 1143 is replaced by glycine, an amino acid with similar properties. This amino acid position is conserved. In addition, this alteration is predicted to be tolerated by in silico analysis. Based on the available evidence, the clinical significance of this variant remains unclear.